The following is an entry in ClinVar:

ClinVar aggregate classification (germline): Benign/Likely benign. Review status: criteria provided, multiple submitters, no conflicts (2 of 4 stars). 2 submissions from 2 submitters: Benign (1); Likely benign (1). Last evaluated 2026-08-01.

Allele frequency attached by ClinVar (database versions not stated): 1000 Genomes Project 30x 0.00016; 1000 Genomes Project 0.00020; gnomAD 0.00114; ESP Exome Variant Server 0.00123; TOPMed 0.00123; ExAC 0.00141.

Submissions (2):

CeGaT Center for Human Genetics Tuebingen
Classification: Likely benign. Last evaluated: 2026-08-01. Review status: criteria provided, single submitter. Criteria: CeGaT Center For Human Genetics Tuebingen Variant Classification Criteria Version 2. Collection method: clinical testing. Allele origin: germline. Affected: yes. Observed: 1 variant allele.
Comment: MRPS34: BP4, BS2

Labcorp Genetics (formerly Invitae), Labcorp
Classification: Benign. Last evaluated: 2025-12-04. Review status: criteria provided, single submitter. Criteria: Invitae Variant Classification Sherloc (09022015). Collection method: clinical testing. Allele origin: germline.

NM_023936.2(MRPS34):c.365-25G>A

Gene: MRPS34 (mitochondrial ribosomal protein S34; minus strand). Cytogenetic location: 16p13.3.
Variant type: single nucleotide variant.
Coding change: c.365-25G>A on transcript NM_023936.2 (MANE Select); 25 bases into the intron before coding-DNA position 365, G replaced by A.
Molecular consequence: intron variant.
Genome position (GRCh38, 1-based): chr16:1,772,538, C>T on the plus strand (G>A on the coding strand, the complement: MRPS34 is on the minus strand). VCF-style: chr16-1772538-C-T. GRCh37 (hg19) VCF-style: chr16-1822539-C-T.
Other names: c.365-4G>A (NM_001300900.2).
Identifiers: ClinVar variation 2059954 (VCV002059954.5), dbSNP rs200312508, ClinGen allele CA7818366.